The following is an entry in ClinVar:

NM_000535.7(PMS2):c.730C>G (p.Gln244Glu)

Gene: PMS2 (PMS1 homolog 2, mismatch repair system component; minus strand). Cytogenetic location: 7p22.1.
Variant type: single nucleotide variant.
Coding change: c.730C>G on transcript NM_000535.7 (MANE Select); coding-DNA position 730, C replaced by G.
Protein change: p.Gln244Glu; replaces glutamine 244 with glutamic acid.
Molecular consequence: missense variant. On other transcripts: 5 prime UTR variant (2), non-coding transcript variant (1).
Genome position (GRCh38, 1-based): chr7:5,997,399, G>C on the plus strand (C>G on the coding strand, the complement: PMS2 is on the minus strand). VCF-style: chr7-5997399-G-C. GRCh37 (hg19) VCF-style: chr7-6037030-G-C.
Other names: c.325C>G, p.Gln109Glu (NM_001322003.2, NM_001322004.2, NM_001322005.2 and 2 more transcripts); c.730C>G, p.Gln244Glu (NM_001322006.2, NM_001322014.2); c.412C>G, p.Gln138Glu (NM_001322007.2, NM_001322008.2); c.-204C>G (NM_001322011.2, NM_001322012.2); c.157C>G, p.Gln53Glu (NM_001322013.2); c.421C>G, p.Gln141Glu (NM_001322015.2); short protein forms Q109E, Q138E, Q141E, Q244E, Q53E.
Identifiers: ClinVar variation 1339671 (VCV001339671.10), dbSNP rs1562671039, ClinGen allele CA366743750.

ClinVar aggregate classification (germline): Uncertain significance. Review status: criteria provided, multiple submitters, no conflicts (2 of 4 stars). 4 submissions from 4 submitters: Uncertain significance (4). Last evaluated 2025-12-16.

Conditions:
Hereditary nonpolyposis colorectal neoplasms. Identifiers: MedGen C0009405, MeSH D003123.
Hereditary cancer-predisposing syndrome. Also called: Neoplastic Syndromes, Hereditary; Tumor predisposition; Hereditary Cancer Syndrome; Hereditary neoplastic syndrome. Identifiers: Orphanet 140162, MedGen C0027672, MeSH D009386, MONDO:0015356.
Lynch syndrome 4 (LYNCH4). Also called: Colorectal cancer, hereditary nonpolyposis, type 4; Hereditary non-polyposis colorectal cancer, type 4. Identifiers: Orphanet 144, MedGen C1838333, MONDO:0013699, OMIM 614337. Disease mechanism: loss of function.

Submissions (4):

Labcorp Genetics (formerly Invitae), Labcorp
Classification: Uncertain significance for Hereditary nonpolyposis colorectal neoplasms. Last evaluated: 2025-12-16. Review status: criteria provided, single submitter. Criteria: Invitae Variant Classification Sherloc (09022015). Collection method: clinical testing. Allele origin: germline.
Comment: This sequence change replaces glutamine, which is neutral and polar, with glutamic acid, which is acidic and polar, at codon 244 of the PMS2 protein (p.Gln244Glu). This variant is not present in population databases (gnomAD no frequency). This missense change has been observed in individual(s) with ovarian cancer (PMID: 29286535). ClinVar contains an entry for this variant (Variation ID: 1339671). Invitae Evidence Modeling incorporating data from in vitro experimental studies (internal data) indicates that this missense variant is not expected to disrupt PMS2 function with a negative predictive value of 95%. In summary, the available evidence is currently insufficient to determine the role of this variant in disease. Therefore, it has been classified as a Variant of Uncertain Significance.

Ambry Genetics
Classification: Uncertain significance for Hereditary cancer-predisposing syndrome. Last evaluated: 2025-01-31. Review status: criteria provided, single submitter. Criteria: Ambry Variant Classification Scheme 2023. Collection method: clinical testing. Allele origin: germline.
Comment: The p.Q244E variant (also known as c.730C>G), located in coding exon 7 of the PMS2 gene, results from a C to G substitution at nucleotide position 730. The glutamine at codon 244 is replaced by glutamic acid, an amino acid with highly similar properties. This alteration was identified in an individual presenting with a family history of breast, ovarian and pancreatic cancer (Blount J et al. Clin. Genet., 2018 07;94:61-69). This amino acid position is highly conserved in available vertebrate species. In addition, the in silico prediction for this alteration is inconclusive. Based on the available evidence, the clinical significance of this variant remains unclear.

Baylor Genetics
Classification: Uncertain significance for Lynch syndrome 4. Last evaluated: 2024-02-13. Review status: criteria provided, single submitter. Criteria: ACMG Guidelines, 2015. Collection method: clinical testing. Allele origin: unknown.

Women's Health and Genetics/Laboratory Corporation of America, LabCorp
Classification: Uncertain significance. Last evaluated: 2022-01-10. Review status: criteria provided, single submitter. Criteria: LabCorp Variant Classification Summary - May 2015. Collection method: clinical testing. Allele origin: germline.
Comment: Variant summary: PMS2 c.730C>G (p.Gln244Glu) results in a conservative amino acid change located in the DNA mismatch repair protein, S5 domain 2-like (IPR013507) region of the encoded protein sequence. Three of five in-silico tools predict a damaging effect of the variant on protein function. The variant was absent in 245946 control chromosomes (gnomAD). The available data on variant occurrences in the general population are insufficient to allow any conclusion about variant significance. c.730C>G has been reported in the literature in one family affected with different types of cancer including breast, ovarian, pancreatic and lung cancer and melanoma (Blount_2018). These data do not allow any conclusion about variant significance. To our knowledge, no experimental evidence demonstrating an impact on protein function has been reported. No clinical diagnostic laboratories have submitted clinical-significance assessments for this variant to ClinVar after 2014. Based on the evidence outlined above, the variant was classified as uncertain significance.

Literature cited by the submitters: PubMed 29286535 (cited by 3 submitters).